The following is an entry in ClinVar:

NM_000548.5(TSC2):c.3962A>G (p.Glu1321Gly)

Gene: TSC2 (TSC complex subunit 2; plus strand). Cytogenetic location: 16p13.3.
Variant type: single nucleotide variant.
Coding change: c.3962A>G on transcript NM_000548.5 (MANE Select); coding-DNA position 3962, A replaced by G.
Protein change: p.Glu1321Gly; replaces glutamic acid 1321 with glycine.
Molecular consequence: missense variant.
Genome position (GRCh38, 1-based): chr16:2,083,773, A>G. VCF-style: chr16-2083773-A-G. GRCh37 (hg19) VCF-style: chr16-2133774-A-G.
Other names: c.3761A>G, p.Glu1254Gly (NM_001077183.3); c.3893A>G, p.Glu1298Gly (NM_001114382.3); c.3653A>G, p.Glu1218Gly (NM_001318827.2); c.3617A>G, p.Glu1206Gly (NM_001318829.2); c.3230A>G, p.Glu1077Gly (NM_001318831.2); c.3794A>G, p.Glu1265Gly (NM_001318832.2); c.3764A>G, p.Glu1255Gly (NM_001363528.2); c.3830A>G, p.Glu1277Gly (NM_001370404.1); and 1 more; short protein forms E1077G, E1206G, E1218G, E1254G, E1255G, E1265G, E1277G, E1278G.
Identifiers: ClinVar variation 1021902 (VCV001021902.8), dbSNP rs587778736, ClinGen allele CA394297471.

ClinVar aggregate classification (germline): Uncertain significance (1 of 4 stars; one submission).

Conditions:
Tuberous sclerosis 2 (TSC2). Identifiers: Orphanet 805, MedGen C1860707, MONDO:0013199, OMIM 613254.

Submission:

Labcorp Genetics (formerly Invitae), Labcorp
Classification: Uncertain significance for Tuberous sclerosis 2. Last evaluated: 2020-08-19. Review status: criteria provided, single submitter. Criteria: Invitae Variant Classification Sherloc (09022015). Collection method: clinical testing. Allele origin: germline.
Comment: This sequence change replaces glutamic acid with glycine at codon 1321 of the TSC2 protein (p.Glu1321Gly). The glutamic acid residue is moderately conserved and there is a moderate physicochemical difference between glutamic acid and glycine. This variant is not present in population databases (ExAC no frequency). This variant has not been reported in the literature in individuals with TSC2-related conditions. Algorithms developed to predict the effect of missense changes on protein structure and function (SIFT, PolyPhen-2, Align-GVGD) all suggest that this variant is likely to be tolerated, but these predictions have not been confirmed by published functional studies and their clinical significance is uncertain. In summary, the available evidence is currently insufficient to determine the role of this variant in disease. Therefore, it has been classified as a Variant of Uncertain Significance.